The following is an entry in ClinVar:

ClinVar aggregate classification (germline): Benign/Likely benign. Review status: criteria provided, multiple submitters, no conflicts (2 of 4 stars). 9 submissions from 9 submitters: Benign (2); Likely benign (5). 2 of the submissions do not count toward it. Last evaluated 2026-01-24.

Conditions:
ADGRG1-related disorder. Also called: ADGRG1-related condition.
Bilateral frontoparietal polymicrogyria. Also called: CEREBELLAR ATAXIA WITH NEURONAL MIGRATION DEFECT; CORTICAL DYSPLASIA, COMPLEX, WITH OTHER BRAIN MALFORMATIONS 14A (BILATERAL FRONTOPARIETAL). Identifiers: Orphanet 101070, MedGen C1847352, MONDO:0011738, OMIM 606854.

Allele frequency attached by ClinVar (database versions not stated): gnomAD exomes 0.00037; 1000 Genomes Project 30x 0.00156; 1000 Genomes Project 0.00160; gnomAD 0.00201 and 0.00217; TOPMed 0.00233; ESP Exome Variant Server 0.00254.
gnomAD v4.1: 852 of 1,614,176 alleles (0.053%); highest among the groups gnomAD compares: African/African-American, 0.62%; 2 homozygotes.

Submissions (9):

Labcorp Genetics (formerly Invitae), Labcorp
Classification: Benign. Last evaluated: 2026-01-24. Review status: criteria provided, single submitter. Criteria: Invitae Variant Classification Sherloc (09022015). Collection method: clinical testing. Allele origin: germline.

Blueprint Genetics
Classification: Likely benign. Last evaluated: 2024-10-24. Review status: criteria provided, single submitter. Criteria: ACMG Guidelines, 2015. Collection method: clinical testing. Allele origin: germline.

GeneDx
Classification: Likely benign. Last evaluated: 2021-04-24. Review status: criteria provided, single submitter. Criteria: GeneDx Variant Classification Process June 2021. Collection method: clinical testing. Allele origin: germline. Affected: yes.

Illumina Laboratory Services, Illumina
Classification: Benign for Bilateral frontoparietal polymicrogyria. Last evaluated: 2017-04-27. Review status: criteria provided, single submitter. Criteria: ICSL Variant Classification Criteria 13 December 2019. Collection method: clinical testing. Allele origin: germline.
Comment: This variant was observed as part of a predisposition screen in an ostensibly healthy population. A literature search was performed for the gene, cDNA change, and amino acid change (where applicable). No publications were found based on this search. Allele frequency data from public databases was too high to be consistent with this variant causing disease. Therefore, this variant is classified as benign.

Eurofins Ntd Llc (ga)
Classification: Likely benign. Last evaluated: 2016-10-17. Review status: criteria provided, single submitter. Criteria: EGL Classification Definitions 2015. Collection method: clinical testing. Allele origin: germline. Observed: 1 variant allele, 1 heterozygote.

Athena Diagnostics
Classification: Likely benign. Last evaluated: 2016-09-19. Review status: criteria provided, single submitter. Criteria: Athena Diagnostics Criteria. Collection method: clinical testing. Allele origin: germline.

Genetic Services Laboratory, University of Chicago
Classification: Likely benign. Last evaluated: 2015-12-31. Review status: criteria provided, single submitter. Criteria: ACMG Guidelines, 2015. Collection method: clinical testing. Allele origin: germline. Affected: no.

Natera, Inc.
Classification: Likely benign for Bilateral frontoparietal polymicrogyria. Last evaluated: 2019-12-10. Review status: no assertion criteria provided. Collection method: clinical testing. Allele origin: germline. Not counted in ClinVar's aggregate classification.

PreventionGenetics, part of Exact Sciences
Classification: Likely benign for ADGRG1-related condition. Last evaluated: 2019-09-17. Review status: no assertion criteria provided. Collection method: clinical testing. Allele origin: germline. Not counted in ClinVar's aggregate classification.
Comment: This variant is classified as likely benign based on ACMG/AMP sequence variant interpretation guidelines (Richards et al. 2015 PMID: 25741868, with internal and published modifications).

NM_201525.4(ADGRG1):c.174C>T (p.Ile58=)

Gene: ADGRG1 (adhesion G protein-coupled receptor G1; plus strand). Cytogenetic location: 16q21.
Variant type: single nucleotide variant.
Coding change: c.174C>T on transcript NM_201525.4 (MANE Select); coding-DNA position 174, C replaced by T.
Protein change: p.Ile58=; no amino-acid change (isoleucine 58 retained).
Molecular consequence: synonymous variant. On other transcripts: 5 prime UTR variant (5), intron variant (2).
Genome position (GRCh38, 1-based): chr16:57,651,309, C>T. VCF-style: chr16-57651309-C-T. GRCh37 (hg19) VCF-style: chr16-57685221-C-T.
Other names: c.174C>T, p.Ile58= (NM_001145770.3, NM_001145771.3, NM_001145772.3 and 16 more transcripts); c.189C>T, p.Ile63= (NM_001145773.3, NM_001370433.1); c.-352C>T (NM_001290143.2, NM_001290144.2, NM_001370451.1 and 2 more transcripts); c.110+64C>T (NM_001290142.2); c.65-47C>T (NM_001370442.1).
Identifiers: ClinVar variation 435352 (VCV000435352.31), dbSNP rs140963173, ClinGen allele CA8078303.
Genomic context (GRCh38, chr16:57,651,309, plus strand): 5'-GAACCAGACACACAGGAGCAGCCTCCACTACAAACCCACACCAGACCTGCGCATCTCCAT[C>T]GAGAACTCCGAAGAGGCCCTCACAGTCCATGCCCCTTTCCCTGCAGCCCACCCTGCTTCC-3'
Protein context (NP_958933.1, residues 48-68): YKPTPDLRIS[Ile58=]ENSEEALTVH